The following is an entry in ClinVar:

NM_020632.3(ATP6V0A4):c.1185del (p.Tyr396fs)

Gene: ATP6V0A4 (ATPase H+ transporting V0 subunit a4; minus strand). Cytogenetic location: 7q34.
Variant type: Deletion.
Coding change: c.1185del on transcript NM_020632.3 (MANE Select); coding-DNA position 1185, one base deleted (C; older notation c.1185delC).
Protein change: p.Tyr396fs; shifts the reading frame from tyrosine 396.
Molecular consequence: frameshift variant.
Genome position (GRCh38, 1-based): chr7:138,747,560, G deleted on the plus strand (C on the coding strand, the reverse complement: ATP6V0A4 is on the minus strand); the first of 5 consecutive G bases (chr7:138,747,560-138,747,564); deleting any one gives the same sequence. VCF-style (leftmost placement, unchanged base first): chr7-138747559-AG-A. GRCh37 (hg19) VCF-style: chr7-138432304-AG-A.
Other names: c.1185del, p.Tyr396fs (NM_130840.3, NM_130841.3); short protein forms Y396fs.
Identifiers: ClinVar variation 1700298 (VCV001700298.10), dbSNP rs566440675, ClinGen allele CA4504851.

ClinVar aggregate classification (germline): Pathogenic. Review status: criteria provided, multiple submitters, no conflicts (2 of 4 stars). 5 submissions from 5 submitters: Pathogenic (5). Last evaluated 2025-10-01.

Conditions:
Renal tubular acidosis, distal, 3, with or without sensorineural hearing loss (DRTA3). Identifiers: MedGen C5399980, MONDO:0011268, OMIM 602722.
ATP6V0A4-related disorder. Also called: ATP6V0A4-related condition.

Submissions (5):

Laboratorio de Genetica e Diagnostico Molecular, Hospital Israelita Albert Einstein
Classification: Pathogenic for Renal tubular acidosis, distal, 3, with or without sensorineural hearing loss. Last evaluated: 2025-10-01. Review status: criteria provided, single submitter. Criteria: ACMG Guidelines, 2015. Collection method: clinical testing. Allele origin: germline. Affected: yes.
Comment: ACMG classification criteria: PVS1 very strong, PM2 supporting, PM3 very strong

PreventionGenetics, part of Exact Sciences
Classification: Pathogenic for ATP6V0A4-related condition. Last evaluated: 2025-07-11. Review status: criteria provided, single submitter. Criteria: ACMG Guidelines, 2015. Collection method: clinical testing. Allele origin: germline.
Comment: The ATP6V0A4 c.1185delC variant is predicted to result in a frameshift and premature protein termination (p.Tyr396Thrfs*12). This variant was reported in an individual with autosomal recessive distal renal tubular acidosis (Stover et al 2002. PubMed ID: 12414817; Gahl et al. 2016. PubMed ID: 26846157; Set et al. 2018. PubMed ID: 29440549; Guo et al. 2021. PubMed ID: 34159584). This variant is reported in 0.0033% of alleles in individuals of South Asian descent in gnomAD. Frameshift variants in ATP6V0A4 are expected to be pathogenic. This variant is interpreted as pathogenic.

Labcorp Genetics (formerly Invitae), Labcorp
Classification: Pathogenic. Last evaluated: 2025-04-28. Review status: criteria provided, single submitter. Criteria: Invitae Variant Classification Sherloc (09022015). Collection method: clinical testing. Allele origin: germline.
Comment: This sequence change creates a premature translational stop signal (p.Tyr396Thrfs*12) in the ATP6V0A4 gene. It is expected to result in an absent or disrupted protein product. Loss-of-function variants in ATP6V0A4 are known to be pathogenic (PMID: 12414817, 16611712). This variant is present in population databases (rs566440675, gnomAD 0.003%). This premature translational stop signal has been observed in individual(s) with renal tubular acidosis (PMID: 34159584). ClinVar contains an entry for this variant (Variation ID: 1700298). For these reasons, this variant has been classified as Pathogenic.

GeneDx
Classification: Pathogenic. Last evaluated: 2022-08-04. Review status: criteria provided, single submitter. Criteria: GeneDx Variant Classification Process June 2021. Collection method: clinical testing. Allele origin: germline. Affected: yes.
Comment: Frameshift variant predicted to result in protein truncation or nonsense mediated decay in a gene for which loss of function is a known mechanism of disease; Not observed at significant frequency in large population cohorts (gnomAD); This variant is associated with the following publications: (PMID: 20694819, 12414817, 26846157, 29440549, 19639346, 34159584, 28233610)

Juno Genomics, Hangzhou Juno Genomics, Inc
Classification: Pathogenic for Renal tubular acidosis, distal, 3, with or without sensorineural hearing loss. Review status: criteria provided, single submitter. Criteria: ACMG Guidelines, 2015. Collection method: clinical testing. Allele origin: germline.
Comment: Absent from controls (or at extremely low frequency if recessive) in Genome Aggregation Database.;Null variant in a gene where loss of function (LOF) is a known mechanism of disease.;For recessive disorders, detected in trans with a pathogenic variant.;Patient's phenotype or family history is highly specific for a disease with a single genetic etiology.

Literature cited by the submitters: PubMed 12414817 (cited by Labcorp Genetics (formerly Invitae), Labcorp); PubMed 16611712 (cited by Labcorp Genetics (formerly Invitae), Labcorp); PubMed 34159584 (cited by Labcorp Genetics (formerly Invitae), Labcorp).